The following is an entry in ClinVar:

ClinVar aggregate classification (germline): Uncertain significance (1 of 4 stars; one submission).

Conditions:
Neuronal ceroid lipofuscinosis. Also called: Neuronal Ceroid Lipofuscinoses. Identifiers: Orphanet 216, Orphanet 79263, MedGen C0027877, MONDO:0016295. Disease mechanism: loss of function.

Allele frequency attached by ClinVar (database versions not stated): TOPMed below 0.00001; gnomAD exomes 0.00001; ExAC 0.00003.
gnomAD v4.1: 5 of 1,574,560 alleles (0.00032%); highest among the groups gnomAD compares: Admixed American, 0.0089%; no homozygotes.

Submission:

Labcorp Genetics (formerly Invitae), Labcorp
Classification: Uncertain significance for Neuronal ceroid lipofuscinosis. Last evaluated: 2025-12-16. Review status: criteria provided, single submitter. Criteria: Invitae Variant Classification Sherloc (09022015). Collection method: clinical testing. Allele origin: germline.
Comment: This sequence change replaces isoleucine, which is neutral and non-polar, with threonine, which is neutral and polar, at codon 173 of the DNAJC5 protein (p.Ile173Thr). The frequency data for this variant in the population databases is considered unreliable, as metrics indicate poor data quality at this position in the gnomAD database. This variant has not been reported in the literature in individuals affected with DNAJC5-related conditions. ClinVar contains an entry for this variant (Variation ID: 2044576). An algorithm developed to predict the effect of missense changes on protein structure and function (PolyPhen-2) suggests that this variant is likely to be tolerated. In summary, the available evidence is currently insufficient to determine the role of this variant in disease. Therefore, it has been classified as a Variant of Uncertain Significance.

NM_025219.3(DNAJC5):c.518T>C (p.Ile173Thr)

Gene: DNAJC5 (DnaJ heat shock protein family (Hsp40) member C5; plus strand). Cytogenetic location: 20q13.33.
Variant type: single nucleotide variant.
Coding change: c.518T>C on transcript NM_025219.3 (MANE Select); coding-DNA position 518, T replaced by C.
Protein change: p.Ile173Thr; replaces isoleucine 173 with threonine.
Molecular consequence: missense variant.
Genome position (GRCh38, 1-based): chr20:63,931,489, T>C. VCF-style: chr20-63931489-T-C. GRCh37 (hg19) VCF-style: chr20-62562842-T-C.
Other names: short protein forms I173T.
Identifiers: ClinVar variation 2044576 (VCV002044576.4), dbSNP rs775285560, ClinGen allele CA9969801.